The following is an entry in ClinVar:

NM_000503.6(EYA1):c.689A>G (p.Tyr230Cys)

Gene: EYA1 (EYA transcriptional coactivator and phosphatase 1; minus strand). Cytogenetic location: 8q13.3.
Variant type: single nucleotide variant.
Coding change: c.689A>G on transcript NM_000503.6 (MANE Select); coding-DNA position 689, A replaced by G.
Protein change: p.Tyr230Cys; replaces tyrosine 230 with cysteine.
Molecular consequence: missense variant.
Genome position (GRCh38, 1-based): chr8:71,299,184, T>C on the plus strand (A>G on the coding strand, the complement: EYA1 is on the minus strand). VCF-style: chr8-71299184-T-C. GRCh37 (hg19) VCF-style: chr8-72211419-T-C.
Other names: c.671A>G, p.Tyr224Cys (NM_001288574.2); c.323A>G, p.Tyr108Cys (NM_001288575.2); c.776A>G, p.Tyr259Cys (NM_001370333.1); c.689A>G, p.Tyr230Cys (NM_001370334.1, NM_001370335.1, NM_172058.4); c.758A>G, p.Tyr253Cys (NM_001370336.1); c.590A>G, p.Tyr197Cys (NM_001411797.1, NM_172060.4); c.761A>G, p.Tyr254Cys (NM_172059.5); c.689A>G (NM_000503.4); short protein forms Y224C, Y259C, Y108C, Y197C, Y230C, Y253C, Y254C.
Identifiers: ClinVar variation 1964367 (VCV001964367.6), dbSNP rs1213738374, ClinGen allele CA371467365.

ClinVar aggregate classification (germline): Uncertain significance. Review status: criteria provided, multiple submitters, no conflicts (2 of 4 stars). 2 submissions from 2 submitters: Uncertain significance (2). Last evaluated 2025-05-12.

Conditions:
Melnick-Fraser syndrome (BOR). Also called: Branchio-oto-renal syndrome; Branchiootorenal syndrome; Branchiootorenal Syndrome (BORS). Identifiers: Orphanet 107, MedGen C0265234, MONDO:0007029.

Allele frequency attached by ClinVar (database versions not stated): TOPMed below 0.00001.

Submissions (2):

GeneDx
Classification: Uncertain significance. Last evaluated: 2025-05-12. Review status: criteria provided, single submitter. Criteria: GeneDx Variant Classification Process June 2021. Collection method: clinical testing. Allele origin: germline. Affected: yes.
Comment: Reported in a patient with ureteropelvic junction obstruction (UPJO) and hydronephrosis in published literature (PMID: 34906515); Not observed at significant frequency in large population cohorts (gnomAD); In silico analysis supports that this missense variant has a deleterious effect on protein structure/function; This variant is associated with the following publications: (PMID: 34906515)

Labcorp Genetics (formerly Invitae), Labcorp
Classification: Uncertain significance for Melnick-Fraser syndrome. Last evaluated: 2022-06-14. Review status: criteria provided, single submitter. Criteria: Invitae Variant Classification Sherloc (09022015). Collection method: clinical testing. Allele origin: germline.
Comment: In summary, the available evidence is currently insufficient to determine the role of this variant in disease. Therefore, it has been classified as a Variant of Uncertain Significance. This sequence change replaces tyrosine, which is neutral and polar, with cysteine, which is neutral and slightly polar, at codon 230 of the EYA1 protein (p.Tyr230Cys). This variant is not present in population databases (gnomAD no frequency). This variant has not been reported in the literature in individuals affected with EYA1-related conditions. Algorithms developed to predict the effect of missense changes on protein structure and function are either unavailable or do not agree on the potential impact of this missense change (SIFT: "Deleterious"; PolyPhen-2: "Probably Damaging"; Align-GVGD: "Class C0").